The following is an entry in ClinVar:

ClinVar aggregate classification (germline): Uncertain significance. Review status: criteria provided, multiple submitters, no conflicts (2 of 4 stars). 2 submissions from 2 submitters: Uncertain significance (2). Last evaluated 2022-07-06.

Allele frequency attached by ClinVar (database versions not stated): gnomAD 0.00001; gnomAD exomes 0.00001.
gnomAD v4.1: 11 of 1,612,428 alleles (0.00068%); highest among the groups gnomAD compares: East Asian, 0.0022%; no homozygotes.

Submissions (2):

Labcorp Genetics (formerly Invitae), Labcorp
Classification: Uncertain significance. Last evaluated: 2022-07-06. Review status: criteria provided, single submitter. Criteria: Invitae Variant Classification Sherloc (09022015). Collection method: clinical testing. Allele origin: germline.
Comment: In summary, the available evidence is currently insufficient to determine the role of this variant in disease. Therefore, it has been classified as a Variant of Uncertain Significance. Variants that disrupt the consensus splice site are a relatively common cause of aberrant splicing (PMID: 17576681, 9536098). Algorithms developed to predict the effect of sequence changes on RNA splicing suggest that this variant may disrupt the consensus splice site. ClinVar contains an entry for this variant (Variation ID: 1305177). This variant has not been reported in the literature in individuals affected with COL9A3-related conditions. This variant is present in population databases (no rsID available, gnomAD 0.002%). This sequence change falls in intron 7 of the COL9A3 gene. It does not directly change the encoded amino acid sequence of the COL9A3 protein. It affects a nucleotide within the consensus splice site.

GeneDx
Classification: Uncertain significance. Last evaluated: 2022-06-08. Review status: criteria provided, single submitter. Criteria: GeneDx Variant Classification Process June 2021. Collection method: clinical testing. Allele origin: germline. Affected: yes.
Comment: Not observed at significant frequency in large population cohorts (gnomAD); In silico analysis supports a deleterious effect on splicing; Has not been previously published as pathogenic or benign to our knowledge

Literature cited by the submitters: PubMed 17576681 (cited by Labcorp Genetics (formerly Invitae), Labcorp); PubMed 9536098 (cited by Labcorp Genetics (formerly Invitae), Labcorp).

NM_001853.4(COL9A3):c.369+4A>G

Gene: COL9A3 (collagen type IX alpha 3 chain; plus strand). Cytogenetic location: 20q13.33.
Variant type: single nucleotide variant.
Coding change: c.369+4A>G on transcript NM_001853.4 (MANE Select); 4 bases into the intron after coding-DNA position 369, A replaced by G.
Molecular consequence: intron variant.
Genome position (GRCh38, 1-based): chr20:62,821,534, A>G. VCF-style: chr20-62821534-A-G. GRCh37 (hg19) VCF-style: chr20-61452886-A-G.
Identifiers: ClinVar variation 1305177 (VCV001305177.9), dbSNP rs1210931676, ClinGen allele CA636333000.